The following is an entry in ClinVar:

ClinVar aggregate classification (germline): Benign/Likely benign. Review status: criteria provided, multiple submitters, no conflicts (2 of 4 stars). 6 submissions from 6 submitters: Benign (3); Likely benign (3). Last evaluated 2026-01-07.

Conditions:
PRKN-related disorder. Also called: PRKN-related condition.
Ovarian neoplasm. Also called: Ovarian tumor; Neoplasm of ovary; Ovarian Neoplasms. Identifiers: MedGen C0919267, MeSH D010051, MONDO:0021068, HP:0100615.
Autosomal recessive juvenile Parkinson disease 2. Also called: Parkinson disease, juvenile, type 2; Parkinson disease autosomal recessive, early onset; Juvenile parkinsonism; Parkinsonism, early onset, with diurnal fluctuation; PRKN-Related Early-Onset Parkinson Disease; PARKINSON DISEASE, JUVENILE, AUTOSOMAL RECESSIVE. Identifiers: Orphanet 2828, MedGen C1868675, MONDO:0010820, OMIM 600116.
Lung cancer. Also called: Lung cancer, somatic; Malignant tumor of lung. Identifiers: MedGen C0242379, MONDO:0008903, OMIM 211980.

Allele frequency attached by ClinVar (database versions not stated): 1000 Genomes Project 30x 0.00109; 1000 Genomes Project 0.00140; gnomAD 0.00335 and 0.00357; ESP Exome Variant Server 0.00377; TOPMed 0.00394.
gnomAD v4.1: 957 of 1,611,800 alleles (0.059%); highest among the groups gnomAD compares: African/African-American, 1.1%; 4 homozygotes.

Submissions (6):

Labcorp Genetics (formerly Invitae), Labcorp
Classification: Benign. Last evaluated: 2026-01-07. Review status: criteria provided, single submitter. Criteria: Invitae Variant Classification Sherloc (09022015). Collection method: clinical testing. Allele origin: germline.

CeGaT Center for Human Genetics Tuebingen
Classification: Likely benign. Last evaluated: 2025-11-01. Review status: criteria provided, single submitter. Criteria: CeGaT Center For Human Genetics Tuebingen Variant Classification Criteria Version 2. Collection method: clinical testing. Allele origin: germline. Affected: yes. Observed: 1 variant allele.
Comment: PRKN: BP4, BP7, BS1

PreventionGenetics, part of Exact Sciences
Classification: Benign for PRKN-related condition. Last evaluated: 2025-03-11. Review status: criteria provided, single submitter. Criteria: ACMG Guidelines, 2015. Collection method: clinical testing. Allele origin: germline.
Comment: This variant is classified as benign based on ACMG/AMP sequence variant interpretation guidelines (Richards et al. 2015 PMID: 25741868, with internal and published modifications).

Blueprint Genetics
Classification: Likely benign. Last evaluated: 2024-10-22. Review status: criteria provided, single submitter. Criteria: ACMG Guidelines, 2015. Collection method: clinical testing. Allele origin: germline.

Fulgent Genetics
Classification: Benign for Ovarian cancer; Lung cancer; Autosomal recessive juvenile Parkinson disease 2. Last evaluated: 2021-09-01. Review status: criteria provided, single submitter. Criteria: ACMG Guidelines, 2015. Collection method: clinical testing. Allele origin: unknown.

GeneDx
Classification: Likely benign. Last evaluated: 2019-08-04. Review status: criteria provided, single submitter. Criteria: GeneDx Variant Classification Process June 2021. Collection method: clinical testing. Allele origin: germline. Affected: yes.

NM_004562.3(PRKN):c.714C>T (p.Cys238=)

Gene: PRKN (parkin RBR E3 ubiquitin protein ligase; minus strand). Cytogenetic location: 6q26.
Variant type: single nucleotide variant.
Coding change: c.714C>T on transcript NM_004562.3 (MANE Select); coding-DNA position 714, C replaced by T.
Protein change: p.Cys238=; no amino-acid change (cysteine 238 retained).
Molecular consequence: synonymous variant.
Genome position (GRCh38, 1-based): chr6:161,973,322, G>A on the plus strand (C>T on the coding strand, the complement: PRKN is on the minus strand). VCF-style: chr6-161973322-G-A. GRCh37 (hg19) VCF-style: chr6-162394354-G-A.
Other names: c.630C>T, p.Cys210= (NM_013987.3); c.267C>T, p.Cys89= (NM_013988.3).
Identifiers: ClinVar variation 696485 (VCV000696485.23), dbSNP rs114974496, ClinGen allele CA4090267.